The following is an entry in ClinVar:

ClinVar aggregate classification (germline): Pathogenic (1 of 4 stars; one submission).

Conditions:
Gorlin syndrome. Also called: Basal cell nevus syndrome; Nevoid Basal Cell Carcinoma Syndrome. Identifiers: Orphanet 377, MedGen C0004779, MONDO:0007187.

Submission:

Labcorp Genetics (formerly Invitae), Labcorp
Classification: Pathogenic for Gorlin syndrome. Last evaluated: 2017-05-07. Review status: criteria provided, single submitter. Criteria: Invitae Variant Classification Sherloc (09022015). Collection method: clinical testing. Allele origin: germline.
Comment: This sequence change deletes 1 nucleotide from exon 4 of the PTCH1 mRNA (c.602delA), causing a frameshift at codon 201. This creates a premature translational stop signal (p.His201Leufs*19) and is expected to result in an absent or disrupted protein product. For these reasons, this variant has been classified as Pathogenic. While this particular variant has not been reported in the literature, loss-of-function variants in PTCH1 are known to be pathogenic (PMID: 16301862, 16419085).

Literature cited by the submitters: PubMed 16301862; PubMed 16419085.

NM_000264.5(PTCH1):c.602del (p.His201fs)

Gene: PTCH1 (patched 1; minus strand). Cytogenetic location: 9q22.32.
Variant type: Deletion.
Coding change: c.602del on transcript NM_000264.5 (MANE Select); coding-DNA position 602, one base deleted (A; older notation c.602delA).
Protein change: p.His201fs; shifts the reading frame from histidine 201.
Molecular consequence: frameshift variant. On other transcripts: non-coding transcript variant (1).
Genome position (GRCh38, 1-based): chr9:95,482,186, T deleted on the plus strand (A on the coding strand, the reverse complement: PTCH1 is on the minus strand). VCF-style (leftmost placement, unchanged base first): chr9-95482185-AT-A. GRCh37 (hg19) VCF-style: chr9-98244467-AT-A.
Other names: c.404del, p.His135fs (NM_001083602.3, NM_001354919.2); c.599del, p.His200fs (NM_001083603.3); c.149del, p.His50fs (NM_001083604.3, NM_001083605.3, NM_001083606.3 and 1 more transcripts); c.602del, p.His201fs (NM_001354918.2); short protein forms H200fs, H50fs, H135fs, H201fs.
Identifiers: ClinVar variation 453906 (VCV000453906.7), dbSNP rs1554700742, ClinGen allele CA658656058.